The following is an entry in ClinVar:

ClinVar aggregate classification (germline): Uncertain significance (1 of 4 stars; one submission).

gnomAD v4.1: 5 of 1,613,058 alleles (0.00031%); highest among the groups gnomAD compares: Admixed American, 0.0017%; no homozygotes.

Submission:

Labcorp Genetics (formerly Invitae), Labcorp
Classification: Uncertain significance. Last evaluated: 2026-01-20. Review status: criteria provided, single submitter. Criteria: Invitae Variant Classification Sherloc (09022015). Collection method: clinical testing. Allele origin: germline.
Comment: This sequence change replaces glycine, which is neutral and non-polar, with arginine, which is basic and polar, at codon 513 of the CRAT protein (p.Gly513Arg). This variant is present in population databases (rs766160049, gnomAD 0.002%). This variant has not been reported in the literature in individuals affected with CRAT-related conditions. Invitae Evidence Modeling of protein sequence and biophysical properties (such as structural, functional, and spatial information, amino acid conservation, physicochemical variation, residue mobility, and thermodynamic stability) indicates that this missense variant is expected to disrupt CRAT protein function with a positive predictive value of 80%. In summary, the available evidence is currently insufficient to determine the role of this variant in disease. Therefore, it has been classified as a Variant of Uncertain Significance.

NM_000755.5(CRAT):c.1537G>A (p.Gly513Arg)

Gene: CRAT (carnitine O-acetyltransferase; minus strand). Cytogenetic location: 9q34.11.
Variant type: single nucleotide variant.
Coding change: c.1537G>A on transcript NM_000755.5 (MANE Select); coding-DNA position 1537, G replaced by A.
Protein change: p.Gly513Arg; replaces glycine 513 with arginine.
Molecular consequence: missense variant.
Genome position (GRCh38, 1-based): chr9:129,096,126, C>T on the plus strand (G>A on the coding strand, the complement: CRAT is on the minus strand). VCF-style: chr9-129096126-C-T. GRCh37 (hg19) VCF-style: chr9-131858405-C-T.
Other names: c.1474G>A, p.Gly492Arg (NM_001257363.3, NM_001346548.2, NM_004003.4); c.1540G>A, p.Gly514Arg (NM_001346546.2); c.1537G>A, p.Gly513Arg (NM_001346547.2); c.1417G>A, p.Gly473Arg (NM_001346549.2); short protein forms G514R, G492R, G473R, G513R.
Identifiers: ClinVar variation 4702705 (VCV004702705.1).